The following is an entry in ClinVar:

NM_006343.3(MERTK):c.2601A>C (p.Gln867His)

Gene: MERTK (MER proto-oncogene, tyrosine kinase; plus strand). Cytogenetic location: 2q13.
Variant type: single nucleotide variant.
Coding change: c.2601A>C on transcript NM_006343.3 (MANE Select); coding-DNA position 2601, A replaced by C.
Protein change: p.Gln867His; replaces glutamine 867 with histidine.
Molecular consequence: missense variant.
Genome position (GRCh38, 1-based): chr2:112,028,465, A>C. VCF-style: chr2-112028465-A-C. GRCh37 (hg19) VCF-style: chr2-112786042-A-C.
Other names: short protein forms Q867H.
Identifiers: ClinVar variation 1929956 (VCV001929956.5), dbSNP rs2466928953, ClinGen allele CA348242727.

ClinVar aggregate classification (germline): Uncertain significance (1 of 4 stars; one submission).

Allele frequency attached by ClinVar (database versions not stated): gnomAD exomes below 0.00001.
gnomAD v4.1: 1 of 1,614,184 alleles (0.000062%); highest among the groups gnomAD compares: Non-Finnish European, 0.000085%; no homozygotes.

Submission:

Labcorp Genetics (formerly Invitae), Labcorp
Classification: Uncertain significance. Last evaluated: 2022-05-24. Review status: criteria provided, single submitter. Criteria: Invitae Variant Classification Sherloc (09022015). Collection method: clinical testing. Allele origin: germline.
Comment: In summary, the available evidence is currently insufficient to determine the role of this variant in disease. Therefore, it has been classified as a Variant of Uncertain Significance. Algorithms developed to predict the effect of missense changes on protein structure and function are either unavailable or do not agree on the potential impact of this missense change (SIFT: "Deleterious"; PolyPhen-2: "Benign"; Align-GVGD: "Class C0"). This variant has not been reported in the literature in individuals affected with MERTK-related conditions. This variant is not present in population databases (gnomAD no frequency). This sequence change replaces glutamine, which is neutral and polar, with histidine, which is basic and polar, at codon 867 of the MERTK protein (p.Gln867His).